The following is an entry in ClinVar:

ClinVar aggregate classification (germline): Uncertain significance (1 of 4 stars; one submission).

Conditions:
Actin accumulation myopathy (CMYO2A). Also called: Myopathy, actin, congenital, with cores; Nemaline myopathy 3, with intranuclear rods; CONGENITAL MYOPATHY 2A, TYPICAL, AUTOSOMAL DOMINANT; Nemaline myopathy type 3; Myopathy, actin, congenital, with excess of thin myofilaments. Identifiers: Orphanet 98904, MedGen C3711389, MONDO:0008070, OMIM 161800.

gnomAD v4.1: 2 of 1,613,438 alleles (0.00012%); highest among the groups gnomAD compares: African/African-American, 0.0027%; no homozygotes.

Submission:

Labcorp Genetics (formerly Invitae), Labcorp
Classification: Uncertain significance for Actin accumulation myopathy. Last evaluated: 2025-06-12. Review status: criteria provided, single submitter. Criteria: Invitae Variant Classification Sherloc (09022015). Collection method: clinical testing. Allele origin: germline.
Comment: This sequence change replaces arginine, which is basic and polar, with cysteine, which is neutral and slightly polar, at codon 208 of the ACTA1 protein (p.Arg208Cys). This variant is present in population databases (no rsID available, gnomAD 0.01%). This variant has not been reported in the literature in individuals affected with ACTA1-related conditions. ClinVar contains an entry for this variant (Variation ID: 3719227). Invitae Evidence Modeling of protein sequence and biophysical properties (such as structural, functional, and spatial information, amino acid conservation, physicochemical variation, residue mobility, and thermodynamic stability) indicates that this missense variant is expected to disrupt ACTA1 protein function with a positive predictive value of 80%. In summary, the available evidence is currently insufficient to determine the role of this variant in disease. Therefore, it has been classified as a Variant of Uncertain Significance.

NM_001100.4(ACTA1):c.622C>T (p.Arg208Cys)

Gene: ACTA1 (actin alpha 1, skeletal muscle; minus strand). Cytogenetic location: 1q42.13.
Variant type: single nucleotide variant.
Coding change: c.622C>T on transcript NM_001100.4 (MANE Select); coding-DNA position 622, C replaced by T.
Protein change: p.Arg208Cys; replaces arginine 208 with cysteine.
Molecular consequence: missense variant.
Genome position (GRCh38, 1-based): chr1:229,432,180, G>A on the plus strand (C>T on the coding strand, the complement: ACTA1 is on the minus strand). VCF-style: chr1-229432180-G-A. GRCh37 (hg19) VCF-style: chr1-229567927-G-A.
Other names: short protein forms R208C.
Identifiers: ClinVar variation 3719227 (VCV003719227.2).
Genomic context (GRCh38, chr1:229,432,180, plus strand): 5'-CGTTCTCGAAGTCCAGGGCCACGTAGCACAGCTTCTCCTTGATGTCGCGCACGATCTCGC[G>A]CTCAGCTGCGGAGGGCAGAAGCAGGAGAGGAGCCCTCACTCAGGGGCCGCCGCCGGCCCT-3'
Protein context (NP_001091.1, residues 198-218): RGYSFVTTAE[Arg208Cys]EIVRDIKEKL